The following is an entry in ClinVar:

NM_000088.4(COL1A1):c.3721del (p.Gln1241fs)

Gene: COL1A1 (collagen type I alpha 1 chain; minus strand). Cytogenetic location: 17q21.33.
Variant type: Deletion.
Coding change: c.3721del on transcript NM_000088.4 (MANE Select); coding-DNA position 3721, one base deleted (C; older notation c.3721delC).
Protein change: p.Gln1241fs; shifts the reading frame from glutamine 1241.
Molecular consequence: frameshift variant.
Genome position (GRCh38, 1-based): chr17:50,186,733, G deleted on the plus strand (C on the coding strand, the reverse complement: COL1A1 is on the minus strand). VCF-style (leftmost placement, unchanged base first): chr17-50186732-TG-T. GRCh37 (hg19) VCF-style: chr17-48264093-TG-T.
Other names: c.3721delC (NM_000088.4); short protein forms Q1241fs.
Identifiers: ClinVar variation 2431478 (VCV002431478.1), dbSNP rs2509163856, ClinGen allele CA2580094183.
Genomic context (GRCh38, chr17:50,186,732, plus strand): 5'-TCACGGCAGGTGCGGGCGGGGTTCTTGCGGCTGCCCTCTGGGCTCCGGATGTTCTCGATC[TG>T]CTGGCTCAGGCTCTTGAGGGTGGTGTCCACCTCGAGGTCACGGTCACGAACCACATTGGC-3'

ClinVar aggregate classification (germline): Likely pathogenic (1 of 4 stars; one submission).

Conditions:
Osteogenesis imperfecta type I (OI1). Also called: Lobstein's Disease; Classic Non-deforming Osteogenesis Imperfecta with Blue Sclerae; OI, TYPE I; OSTEOGENESIS IMPERFECTA TARDA; OSTEOGENESIS IMPERFECTA WITH BLUE SCLERAE; Osteogenesis imperfecta type 1. Identifiers: Orphanet 216796, Orphanet 666, MedGen C0023931, MONDO:0008146, OMIM 166200. Disease mechanism: loss of function.

Submission:

Laboratorio de Genetica e Diagnostico Molecular, Hospital Israelita Albert Einstein
Classification: Likely pathogenic for Osteogenesis imperfecta type I. Last evaluated: 2022-03-15. Review status: criteria provided, single submitter. Criteria: ACMG Guidelines, 2015. Collection method: clinical testing. Allele origin: germline. Affected: yes. Observed: 1 variant allele.
Comment: ACMG classification criteria: PVS1 very strong, PM2 moderated